The following is an entry in ClinVar:

NM_022168.4(IFIH1):c.2158C>G (p.Arg720Gly)

Gene: IFIH1 (interferon induced with helicase C domain 1; minus strand). Cytogenetic location: 2q24.2.
Variant type: single nucleotide variant.
Coding change: c.2158C>G on transcript NM_022168.4 (MANE Select); coding-DNA position 2158, C replaced by G.
Protein change: p.Arg720Gly; replaces arginine 720 with glycine.
Molecular consequence: missense variant.
Genome position (GRCh38, 1-based): chr2:162,276,833, G>C on the plus strand (C>G on the coding strand, the complement: IFIH1 is on the minus strand). VCF-style: chr2-162276833-G-C. GRCh37 (hg19) VCF-style: chr2-163133343-G-C.
Other names: short protein forms R720G.
Identifiers: ClinVar variation 1023577 (VCV001023577.12), dbSNP rs761864966, ClinGen allele CA348997195.

ClinVar aggregate classification (germline): Uncertain significance. Review status: criteria provided, multiple submitters, no conflicts (2 of 4 stars). 2 submissions from 2 submitters: Uncertain significance (2). Last evaluated 2026-04-23.

Conditions:
Singleton-Merten syndrome 1 (SGMRT1). Also called: Widened medullary cavities of bone, aortic calcification, abnormal dentition, and muscular weakness; Syndrome of widened medullary cavities of the metacarpals and phalanges, aortic calcification and abnormal dentition. Identifiers: Orphanet 85191, MedGen C4225427, MONDO:0024535, OMIM 182250.
Aicardi-Goutieres syndrome 7 (AGS7). Identifiers: Orphanet 51, MedGen C3888244, MONDO:0014367, OMIM 615846.

Submissions (2):

GeneDx
Classification: Uncertain significance. Last evaluated: 2026-04-23. Review status: criteria provided, single submitter. Criteria: GeneDx Variant Classification Process June 2021. Collection method: clinical testing. Allele origin: germline.
Comment: Not observed at significant frequency in large population cohorts (gnomAD); In silico analysis supports that this missense variant has a deleterious effect on protein structure/function; Has not been previously published as pathogenic or benign to our knowledge

Labcorp Genetics (formerly Invitae), Labcorp
Classification: Uncertain significance for Aicardi-Goutieres syndrome 7; Singleton-Merten syndrome 1. Last evaluated: 2023-10-13. Review status: criteria provided, single submitter. Criteria: Invitae Variant Classification Sherloc (09022015). Collection method: clinical testing. Allele origin: germline.
Comment: This sequence change replaces arginine, which is basic and polar, with glycine, which is neutral and non-polar, at codon 720 of the IFIH1 protein (p.Arg720Gly). This variant is not present in population databases (gnomAD no frequency). This variant has not been reported in the literature in individuals affected with IFIH1-related conditions. ClinVar contains an entry for this variant (Variation ID: 1023577). Advanced modeling performed at Invitae incorporating data from internal and/or published experimental studies (Invitae) did not meet the statistical confidence thresholds required to predict the impact of this variant on IFIH1 function. This variant disrupts the p.Arg720 amino acid residue in IFIH1. Other variant(s) that disrupt this residue have been determined to be pathogenic (PMID: 24686847, 30219631). This suggests that this residue is clinically significant, and that variants that disrupt this residue are likely to be disease-causing. In summary, the available evidence is currently insufficient to determine the role of this variant in disease. Therefore, it has been classified as a Variant of Uncertain Significance.

Literature cited by the submitters: PubMed 24686847 (cited by Labcorp Genetics (formerly Invitae), Labcorp); PubMed 30219631 (cited by Labcorp Genetics (formerly Invitae), Labcorp).